The following is an entry in ClinVar:

NM_001754.5(RUNX1):c.958C>T (p.Arg320Ter)

Gene: RUNX1 (RUNX family transcription factor 1; minus strand). Cytogenetic location: 21q22.12.
Variant type: single nucleotide variant.
Coding change: c.958C>T on transcript NM_001754.5 (MANE Select); coding-DNA position 958, C replaced by T.
Protein change: p.Arg320Ter; replaces arginine 320 with a stop codon.
Molecular consequence: nonsense.
Genome position (GRCh38, 1-based): chr21:34,799,310, G>A on the plus strand (C>T on the coding strand, the complement: RUNX1 is on the minus strand). VCF-style: chr21-34799310-G-A. GRCh37 (hg19) VCF-style: chr21-36171607-G-A.
Other names: NM_001754.5(RUNX1):c.958C>T; c.877C>T, p.Arg293Ter (NM_001001890.3); c.958C>T (NM_001754.4); short protein forms R320*, R293*.
Identifiers: ClinVar variation 618862 (VCV000618862.22), dbSNP rs1569008655, ClinGen allele CA410149580.

ClinVar aggregate classification (germline): Pathogenic. Review status: reviewed by expert panel (3 of 4 stars). 7 submissions from 7 submitters: Pathogenic (1). 6 of the submissions do not count toward it. Last evaluated 2024-03-26.

Conditions:
Hereditary thrombocytopenia and hematological cancer predisposition syndrome associated with RUNX1. Also called: RUNX1 Familial Platelet Disorder with Associated Myeloid Malignancies; Familial Platelet Disorder with Propensity to Acute Myelogenous Leukemia; Familial thrombocytopenia with propensity to acute myelogenous leukemia; PLATELET DISORDER, ASPIRIN-LIKE. Identifiers: Orphanet 71290, MedGen C1832388, MeSH C563324, MONDO:0100083, OMIM 601399.
Hereditary thrombocytopenia and hematologic cancer predisposition syndrome. Identifiers: Orphanet 71290, MedGen CN281654, MONDO:0011071.
Thrombocytopenia. Identifiers: MedGen C0040034, MeSH D013921, MONDO:0002049, HP:0001873.
RUNX1-related disorder. Also called: RUNX1-related condition.
Inborn genetic diseases. Identifiers: MedGen C0950123, MeSH D030342.

Submissions (7):

ClinGen Myeloid Malignancy Variant Curation Expert Panel
Classification: Pathogenic for Hereditary thrombocytopenia and hematologic cancer predisposition syndrome. Last evaluated: 2024-03-26. Review status: reviewed by expert panel. Criteria: ClinGen MyeloMalig ACMG Specifications v2. Collection method: curation. Allele origin: germline. Inheritance: Autosomal dominant inheritance.
Comment: The NM_001754.4:c.958C>T (p.Arg320Ter) variant is a nonsense variant that is not expected to result in nonsense-mediated mRNA decay, but the predicted truncated/altered region (removes aa 320 - 480) is critical to protein function (PVS1_Strong). This variant was found to co-segregate with disease in multiple affected family members, with more than seven (14) meioses observed across 2 families (PP1_Strong; from internal laboratory data). The variant is completely absent from all population databases with at least 20x coverage for RUNX1 (PM2_supporting). This variant is a nonsense/frameshift variants that is downstream of c.98 (PM5_Supporting). It has been reported in two probands meeting at least one of the RUNX1-phenotypic criteria (PS4_Moderate; from internal laboratory data). In summary, this variant meets criteria to be classified as pathogenic. ACMG/AMP criteria applied, as specified by the Myeloid Malignancy Variant Curation Expert Panel for RUNX1: PVS1_Strong, PP1_Strong, PM2_supporting, PS4_Moderate, PM5_supporting.

Labcorp Genetics (formerly Invitae), Labcorp
Classification: Pathogenic for Hereditary thrombocytopenia and hematological cancer predisposition syndrome associated with RUNX1. Last evaluated: 2025-12-24. Review status: criteria provided, single submitter. Criteria: Invitae Variant Classification Sherloc (09022015). Collection method: clinical testing. Allele origin: germline. Not counted in ClinVar's aggregate classification.
Comment: This sequence change creates a premature translational stop signal (p.Arg320*) in the RUNX1 gene. While this is not anticipated to result in nonsense mediated decay, it is expected to disrupt the last 161 amino acid(s) of the RUNX1 protein. This variant is not present in population databases (gnomAD no frequency). This premature translational stop signal has been observed in individual(s) with clinical features of familial platelet disorder and associated myeloid malignancies (PMID: 18723428, 25840971, 31064749, 32208489; external communications). It has also been observed to segregate with disease in related individuals. This variant is also known as c.877C>T (R292X). ClinVar contains an entry for this variant (Variation ID: 618862). Algorithms developed to predict the effect of variants on gene product structure and function are not available or were not evaluated for this variant. Experimental studies have shown that this premature translational stop signal affects RUNX1 function (PMID: 22318203, 25840971). This variant disrupts the C-terminus of the RUNX1 protein. Other variant(s) that disrupt this region (p.Ser322*) have been observed in individuals with RUNX1-related conditions (PMID: 31989091). This suggests that this may be a clinically significant region of the protein. For these reasons, this variant has been classified as Pathogenic.

Ambry Genetics
Classification: Likely pathogenic for Inborn genetic diseases. Last evaluated: 2025-04-30. Review status: criteria provided, single submitter. Criteria: Ambry Variant Classification Scheme 2023. Collection method: clinical testing. Allele origin: germline. Not counted in ClinVar's aggregate classification.
Comment: The p.R320* variant (also known as c.958C>T), located in coding exon 7 of the RUNX1 gene, results from a C to T substitution at nucleotide position 958. This changes the amino acid from an arginine to a stop codon within coding exon 7. This alteration occurs at the 3' terminus of theRUNX1 gene, is not expected to trigger nonsense-mediated mRNA decay, and impacts the last 33% of the protein. However, premature stop codons are typically deleterious in nature and a significant portion of the protein is affected (Ambry internal data). This variant has been reported in individual(s) with thrombocytopenia, AML, myelodysplastic syndrome (MDS), and platelet function disorders (Owen CJ et al. Blood, 2008 Dec;112:4639-45; Greif PA et al. Haematologica, 2012 Dec;97:1909-15; Buijs A et al. Cancer Genet, 2013 Apr;206:140-4; Downes K et al. Blood, 2019 Dec;134:2082-2091; Brown AL et al. Blood Adv, 2020 Mar;4:1131-1144; Homan CC et al. Blood, 2023 Mar;141:1533-1543). One functional study reported that this variant impacted transcriptional activity and impaired megakaryocyte differentiation (Jayne ND et al. Blood Adv, 2024 May;8:2410-2423). This variant is considered to be rare based on population cohorts in the Genome Aggregation Database (gnomAD). Based on the majority of available evidence to date, this variant is likely to be pathogenic.

GeneDx
Classification: Pathogenic. Last evaluated: 2024-06-28. Review status: criteria provided, single submitter. Criteria: GeneDx Variant Classification Process June 2021. Collection method: clinical testing. Allele origin: germline. Affected: yes. Not counted in ClinVar's aggregate classification.
Comment: Nonsense variant predicted to result in protein truncation, as the last 161 amino acids are lost, and other loss-of-function variants have been reported downstream in HGMD; Segregates with disease in many affected individuals from multiple families in published literature (PMID: 32208489); Not observed at significant frequency in large population cohorts (gnomAD); Also known as R292X, R293X; This variant is associated with the following publications: (PMID: 25525159, 31064749, 38019014, 18723428, 37738626, 22318203, 27418648, 23751892, 25840971, Jayne[abstract]2022, 32208489)

Blueprint Genetics
Classification: Pathogenic for RUNX1-related disorders. Last evaluated: 2022-09-05. Review status: criteria provided, single submitter. Criteria: ACMG Guidelines, 2015. Collection method: clinical testing. Allele origin: germline. Affected: yes. Observed: 1 variant allele. Not counted in ClinVar's aggregate classification.

NIHR Bioresource Rare Diseases, University of Cambridge
Classification: Likely pathogenic for Thrombocytopenia. Last evaluated: 2019-02-01. Review status: criteria provided, single submitter. Criteria: ACMG Guidelines, 2015. Collection method: research. Allele origin: unknown. Affected: yes. Observed: 1 heterozygote. Study: ThromboGenomics. Not counted in ClinVar's aggregate classification.

ARUP Laboratories, Molecular Genetics and Genomics, ARUP Laboratories
Classification: Pathogenic. Last evaluated: 2018-01-25. Review status: criteria provided, single submitter. Criteria: ARUP Molecular Germline Variant Investigation Process. Collection method: clinical testing. Allele origin: germline. Not counted in ClinVar's aggregate classification.
Comment: The RUNX1 c.958C>T; p.Arg320Ter variant, also known as R292X, is reported in the germline of individuals with familial platelet disorder with associated myeloid malignancies (FPDMM) (Owen 2008, Patton 2007, Rossini 2012). This variant is absent from the general population databases (1000 Genomes Project, Exome Variant Server, Genome Aggregation Database), indicating it is not a common polymorphism. This variant induces an early termination codon; since it occurs toward the end of the penultimate exon the transcript is less likely to be subject to nonsense-mediated decay and more likely to yield a truncated protein, but mRNA nonsense-mediated decay cannot be ruled out. Based on available information, this variant is considered pathogenic. REFERENCES Owen CJ et al. Five new pedigrees with inherited RUNX1 mutations causing familial platelet disorder with propensity to myeloid malignancy. Blood. 2008 Dec 1;112(12):4639-45. Patton WN et al. Novel Heritable Mutation of the Transcription Factor RUNX1 as a Cause of Autosomal Dominant Familial Platelet Disorder with Predisposition to Acute Myeloid Leukemia (FPD/AML). Blood 2007 110:4244. Rossini et al. Familial platelet disorders with a predisposition to acute myelogenous leukaemia: a RUNX1 update. Hereditary Cancer in Clinical Practice 2012. 10(Suppl 2)A64.

Literature cited by the submitters: PubMed 22318203 (cited by ClinGen Myeloid Malignancy Variant Curation Expert Panel and Labcorp Genetics (formerly Invitae), Labcorp); PubMed 23751892 (cited by ClinGen Myeloid Malignancy Variant Curation Expert Panel and Ambry Genetics); PubMed 18723428 (cited by 3 submitters); PubMed 27418648 (cited by ClinGen Myeloid Malignancy Variant Curation Expert Panel); PubMed 25840971 (cited by Labcorp Genetics (formerly Invitae), Labcorp); PubMed 31064749 (cited by 3 submitters); PubMed 32208489 (cited by Labcorp Genetics (formerly Invitae), Labcorp and Ambry Genetics); PubMed 31989091 (cited by Labcorp Genetics (formerly Invitae), Labcorp); PubMed 22689681 (cited by Ambry Genetics); PubMed 36626254 (cited by Ambry Genetics); PubMed 38513139 (cited by Ambry Genetics).